The following is an entry in ClinVar:

ClinVar aggregate classification (germline): Uncertain significance. Review status: criteria provided, multiple submitters, no conflicts (2 of 4 stars). 2 submissions from 2 submitters: Uncertain significance (2). Last evaluated 2024-02-05.

Conditions:
Cardiomyopathy (CMYO). Also called: Cardiomyopathies. Identifiers: Orphanet 167848, MedGen C0878544, MONDO:0004994, HP:0001638. Inheritance: Various modes of inheritance.
Hypertrophic cardiomyopathy. Also called: HYPERTROPHIC MYOCARDIOPATHY. Identifiers: Orphanet 217569, MedGen C0007194, MeSH D002312, MONDO:0005045, HP:0001639.

Allele frequency attached by ClinVar (database versions not stated): gnomAD exomes below 0.00001.
gnomAD v4.1: 1 of 1,613,570 alleles (0.000062%); highest among the groups gnomAD compares: Non-Finnish European, 0.000085%; no homozygotes.

Submissions (2):

All of Us Research Program, National Institutes of Health
Classification: Uncertain significance for Cardiomyopathy. Last evaluated: 2024-02-05. Review status: criteria provided, single submitter. Criteria: ACMG Guidelines, 2015. Collection method: clinical testing. Allele origin: germline. Inheritance: Autosomal dominant inheritance. Observed: 1 variant allele, 1 heterozygote.
Comment: This missense variant replaces phenylalanine with leucine at codon 46 of the MYH7 protein. Computational prediction tools indicate that this variant's impact on protein structure and function is inconclusive. To our knowledge, functional studies have not been reported for this variant. This variant has not been reported in individuals affected with MYH7-related disorders in the literature. This variant has not been identified in the general population by the Genome Aggregation Database (gnomAD). The available evidence is insufficient to determine the role of this variant in disease conclusively. Therefore, this variant is classified as a Variant of Uncertain Significance.

This study involves interpretation of variants in research participants for the purpose of population health screening. Participant phenotype was not available at the time of variant classification. Additional details can be found in publication PMID: 35346344, PMCID: PMC8962531

Labcorp Genetics (formerly Invitae), Labcorp
Classification: Uncertain significance for Hypertrophic cardiomyopathy. Last evaluated: 2022-08-16. Review status: criteria provided, single submitter. Criteria: Invitae Variant Classification Sherloc (09022015). Collection method: clinical testing. Allele origin: germline.
Comment: Algorithms developed to predict the effect of missense changes on protein structure and function are either unavailable or do not agree on the potential impact of this missense change (SIFT: "Deleterious"; PolyPhen-2: "Probably Damaging"; Align-GVGD: "Class C0"). This sequence change replaces phenylalanine, which is neutral and non-polar, with leucine, which is neutral and non-polar, at codon 46 of the MYH7 protein (p.Phe46Leu). This variant is not present in population databases (gnomAD no frequency). This variant has not been reported in the literature in individuals affected with MYH7-related conditions. ClinVar contains an entry for this variant (Variation ID: 1513483). In summary, the available evidence is currently insufficient to determine the role of this variant in disease. Therefore, it has been classified as a Variant of Uncertain Significance.

NM_000257.4(MYH7):c.136T>C (p.Phe46Leu)

Gene: MYH7 (myosin heavy chain 7; minus strand). Cytogenetic location: 14q11.2.
Variant type: single nucleotide variant.
Coding change: c.136T>C on transcript NM_000257.4 (MANE Select); coding-DNA position 136, T replaced by C.
Protein change: p.Phe46Leu; replaces phenylalanine 46 with leucine.
Molecular consequence: missense variant.
Genome position (GRCh38, 1-based): chr14:23,433,597, A>G on the plus strand (T>C on the coding strand, the complement: MYH7 is on the minus strand). VCF-style: chr14-23433597-A-G. GRCh37 (hg19) VCF-style: chr14-23902806-A-G.
Other names: short protein forms F46L.
Identifiers: ClinVar variation 1513483 (VCV001513483.9), dbSNP rs1893036458, ClinGen allele CA389053784.